The following is an entry in ClinVar:

ClinVar aggregate classification (germline): Uncertain significance (1 of 4 stars; one submission).

gnomAD v4.1: 1 of 1,612,188 alleles (0.000062%); highest among the groups gnomAD compares: Non-Finnish European, 0.000085%; no homozygotes.

Submission:

Ambry Genetics
Classification: Uncertain significance. Last evaluated: 2026-05-05. Review status: criteria provided, single submitter. Criteria: Ambry Variant Classification Scheme 2023. Collection method: clinical testing. Allele origin: germline.
Comment: The c.745T>C (p.F249L) alteration is located in exon 5 (coding exon 4) of the BTBD6 gene. This alteration results from a T to C substitution at nucleotide position 745, causing the phenylalanine (F) at amino acid position 249 to be replaced by a leucine (L). Based on data from gnomAD, the C allele has an overall frequency of <0.001% (1/247606) total alleles studied. The highest observed frequency was 0.001% (1/111682) of European (non-Finnish) alleles. Based on insufficient or conflicting evidence, the clinical significance of this alteration remains unclear.

NM_001387567.1(BTBD6):c.904T>C (p.Phe302Leu)

Genes: BRF1 (BRF1 general transcription factor IIIB subunit; minus strand), BTBD6 (BTB domain containing 6; plus strand). Cytogenetic location: 14q32.33.
Variant type: single nucleotide variant.
Coding change: c.904T>C on transcript NM_001387567.1 (MANE Select); coding-DNA position 904, T replaced by C.
Protein change: p.Phe302Leu; replaces phenylalanine 302 with leucine.
Molecular consequence: missense variant. On other transcripts: intron variant (7).
Genome position (GRCh38, 1-based): chr14:105,249,959, T>C. VCF-style: chr14-105249959-T-C. GRCh37 (hg19) VCF-style: chr14-105716296-T-C.
Other names: c.745T>C, p.Phe249Leu (NM_033271.3); c.199+2548A>G (NM_001440451.1, NM_001242787.2, NM_001242786.2); c.463+2548A>G (NM_001242788.2); c.544+2548A>G (NM_001440450.1, NM_001440449.1, NM_001519.4); short protein forms F249L, F302L.
Identifiers: ClinVar variation 4867963 (VCV004867963.1).